The following is an entry in ClinVar:

NM_000334.4(SCN4A):c.1811A>T (p.Glu604Val)

Gene: SCN4A (sodium voltage-gated channel alpha subunit 4; minus strand). Cytogenetic location: 17q23.3.
Variant type: single nucleotide variant.
Coding change: c.1811A>T on transcript NM_000334.4 (MANE Select); coding-DNA position 1811, A replaced by T.
Protein change: p.Glu604Val; replaces glutamic acid 604 with valine.
Molecular consequence: missense variant.
Genome position (GRCh38, 1-based): chr17:63,961,227, T>A on the plus strand (A>T on the coding strand, the complement: SCN4A is on the minus strand). VCF-style: chr17-63961227-T-A. GRCh37 (hg19) VCF-style: chr17-62038587-T-A.
Other names: short protein forms E604V.
Identifiers: ClinVar variation 1046180 (VCV001046180.9), dbSNP rs1909242012, ClinGen allele CA400632862.

ClinVar aggregate classification (germline): Uncertain significance (1 of 4 stars; one submission).

Conditions:
Hyperkalemic periodic paralysis. Also called: Familial hyperkalemic periodic paralysis; Gamstorp disease. Identifiers: Orphanet 682, MedGen C0238357, MONDO:0008224, OMIM 170500, HP:0007215.

Submission:

Labcorp Genetics (formerly Invitae), Labcorp
Classification: Uncertain significance for Hyperkalemic periodic paralysis. Last evaluated: 2022-06-20. Review status: criteria provided, single submitter. Criteria: Invitae Variant Classification Sherloc (09022015). Collection method: clinical testing. Allele origin: germline.
Comment: Algorithms developed to predict the effect of sequence changes on RNA splicing suggest that this variant may create or strengthen a splice site. In summary, the available evidence is currently insufficient to determine the role of this variant in disease. Therefore, it has been classified as a Variant of Uncertain Significance. This sequence change replaces glutamic acid, which is acidic and polar, with valine, which is neutral and non-polar, at codon 604 of the SCN4A protein (p.Glu604Val). This variant is not present in population databases (gnomAD no frequency). This variant has not been reported in the literature in individuals affected with SCN4A-related conditions. ClinVar contains an entry for this variant (Variation ID: 1046180). Algorithms developed to predict the effect of missense changes on protein structure and function are either unavailable or do not agree on the potential impact of this missense change (SIFT: "Deleterious"; PolyPhen-2: "Benign"; Align-GVGD: "Class C0").